The following is an entry in ClinVar:

ClinVar aggregate classification (germline): Pathogenic/Likely pathogenic. Review status: criteria provided, multiple submitters, no conflicts (2 of 4 stars). 2 submissions from 2 submitters: Pathogenic (1); Likely pathogenic (1). Last evaluated 2021-08-28.

Conditions:
Neurodegeneration with brain iron accumulation 5 (NBIA5). Also called: STATIC ENCEPHALOPATHY OF CHILDHOOD WITH NEURODEGENERATION IN ADULTHOOD; Beta-propeller protein-associated neurodegeneration. Identifiers: Orphanet 329284, MedGen C3550973, MONDO:0010476, OMIM 300894.

Submissions (2):

Labcorp Genetics (formerly Invitae), Labcorp
Classification: Likely pathogenic for Neurodegeneration with brain iron accumulation 5. Last evaluated: 2021-08-28. Review status: criteria provided, single submitter. Criteria: Invitae Variant Classification Sherloc (09022015). Collection method: clinical testing. Allele origin: germline.

GeneDx
Classification: Pathogenic. Last evaluated: 2017-09-01. Review status: criteria provided, single submitter. Criteria: GeneDx Variant Classification (06012015). Collection method: clinical testing. Allele origin: germline. Affected: yes.
Comment: The G168E variant in the WDR45 gene has not been published previously as a pathogenic variant nor as a benign variant, to our knowledge. It has been reported as a de novo variant with confirmed parentage in multiple patients with neurodevelopmental disorders who were previously tested at GeneDx. The G168E variant was not observed in large population cohorts (Lek et al., 2016; McVean et al., 2012; Exome Variant Server). The G168E variant is a non-conservative amino acid substitution that occurs at a position that is conserved across species. In silico analysis predicts this variant is probably damaging to the protein structure/function. We consider G168E a pathogenic variant.

NM_001029896.2(WDR45):c.500G>A (p.Gly167Glu)

Gene: WDR45 (WD repeat domain 45; minus strand). Cytogenetic location: Xp11.23.
Variant type: single nucleotide variant.
Coding change: c.500G>A on transcript NM_001029896.2 (MANE Select); coding-DNA position 500, G replaced by A.
Protein change: p.Gly167Glu; replaces glycine 167 with glutamic acid.
Molecular consequence: missense variant.
Genome position (GRCh38, 1-based): chrX:49,075,882, C>T on the plus strand (G>A on the coding strand, the complement: WDR45 is on the minus strand). VCF-style: chrX-49075882-C-T. GRCh37 (hg19) VCF-style: chrX-48933541-C-T.
Other names: c.503G>A, p.Gly168Glu (NM_007075.4); short protein forms G168E, G167E.
Identifiers: ClinVar variation 429786 (VCV000429786.5), dbSNP rs1131691592, ClinGen allele CA412945145.